The following is an entry in ClinVar:

NM_004168.4(SDHA):c.1795-3C>G

Gene: SDHA (succinate dehydrogenase complex flavoprotein subunit A; plus strand). Cytogenetic location: 5p15.33.
Variant type: single nucleotide variant.
Coding change: c.1795-3C>G on transcript NM_004168.4 (MANE Select); 3 bases into the intron before coding-DNA position 1795, C replaced by G.
Molecular consequence: intron variant.
Genome position (GRCh38, 1-based): chr5:254,390, C>G. VCF-style: chr5-254390-C-G. GRCh37 (hg19) VCF-style: chr5-254505-C-G.
Other names: c.1552-3C>G (NM_001330758.2); c.1651-3C>G (NM_001294332.2).
Identifiers: ClinVar variation 809728 (VCV000809728.57), dbSNP rs544544409, ClinGen allele CA112784130.
Genomic context (GRCh38, chr5:254,390, plus strand): 5'-CTGTGTTTTTTCTGTATTGCTCTGTTAGAGTAATAAGAAACGTGATGGTGTTTCTGGCCT[C>G]AGGTGCGGATTGATGAGTACGATTACTCCAAGCCCATCCAGGGGCAACAGAAGAAGCCCT-3'

ClinVar aggregate classification (germline): Conflicting classifications of pathogenicity. Review status: criteria provided, conflicting classifications (1 of 4 stars). 4 submissions from 4 submitters: Likely pathogenic (1); Uncertain significance (3). Last evaluated 2026-03-02.

Conditions:
Pheochromocytoma/paraganglioma syndrome 5. Also called: SDHA-Related Hereditary Paraganglioma-Pheochromocytoma Syndrome; Paragangliomas 5. Identifiers: Orphanet 29072, MedGen C3279992, MONDO:0013602, OMIM 614165.
Mitochondrial complex II deficiency, nuclear type 1. Also called: SUCCINATE CoQ REDUCTASE DEFICIENCY. Identifiers: Orphanet 3208, MedGen C5700310, MONDO:0100294, OMIM 252011.
Hereditary cancer-predisposing syndrome. Also called: Tumor predisposition; Hereditary neoplastic syndrome; Neoplastic Syndromes, Hereditary; Hereditary Cancer Syndrome. Identifiers: Orphanet 140162, MedGen C0027672, MeSH D009386, MONDO:0015356.

Allele frequency attached by ClinVar (database versions not stated): gnomAD exomes below 0.00001; TOPMed below 0.00001; gnomAD 0.00001.

Submissions (4):

Ambry Genetics
Classification: Likely pathogenic for Hereditary cancer-predisposing syndrome. Last evaluated: 2026-03-02. Review status: criteria provided, single submitter. Criteria: Ambry Variant Classification Scheme 2023. Collection method: clinical testing. Allele origin: germline.
Comment: The c.1795-3C>G intronic variant results from a C to G substitution 3 nucleotides upstream from coding exon 14 in the SDHA gene. RNA studies have demonstrated that this alteration results in abnormal splicing in the set of samples tested (Ambry internal data). This nucleotide position is not well conserved in available vertebrate species. In silico splice site analysis predicts that this alteration will weaken the native splice acceptor site and will result in the creation or strengthening of a novel splice acceptor site. This variant is considered to be rare based on population cohorts in the Genome Aggregation Database (gnomAD). Based on the majority of available evidence to date, this variant is likely to be pathogenic.

Labcorp Genetics (formerly Invitae), Labcorp
Classification: Uncertain significance for Pheochromocytoma/paraganglioma syndrome 5; Mitochondrial complex II deficiency, nuclear type 1. Last evaluated: 2020-03-22. Review status: criteria provided, single submitter. Criteria: Invitae Variant Classification Sherloc (09022015). Collection method: clinical testing. Allele origin: germline.
Comment: In summary, the available evidence is currently insufficient to determine the role of this variant in disease. Therefore, it has been classified as a Variant of Uncertain Significance. Nucleotide substitutions within the consensus splice site are a relatively common cause of aberrant splicing (PMID: 17576681, 9536098). Algorithms developed to predict the effect of sequence changes on RNA splicing suggest that this variant may disrupt the consensus splice site, but this prediction has not been confirmed by published transcriptional studies. This variant has been observed in an individual affected with a glomus vagal tumor (PMID: 29177515). This variant is not present in population databases (ExAC no frequency). This sequence change falls in intron 13 of the SDHA gene. It does not directly change the encoded amino acid sequence of the SDHA protein, but it affects a nucleotide within the consensus splice site of the intron.

GeneDx
Classification: Uncertain significance. Last evaluated: 2019-06-05. Review status: criteria provided, single submitter. Criteria: GeneDx Variant Classification Process June 2021. Collection method: clinical testing. Allele origin: germline. Affected: yes.
Comment: Not observed in large population cohorts (Lek et al., 2016); In silico analysis, which includes splice predictors and evolutionary conservation, supports a deleterious effect; This variant is associated with the following publications: (PMID: 29177515)

CeGaT Center for Human Genetics Tuebingen
Classification: Uncertain significance. Last evaluated: 2018-11-01. Review status: criteria provided, single submitter. Criteria: CeGaT Center For Human Genetics Tuebingen Variant Classification Criteria Version 2. Collection method: clinical testing. Allele origin: germline. Affected: yes. Observed: 1 variant allele.

Literature cited by the submitters: PubMed 29177515 (cited by Ambry Genetics and Labcorp Genetics (formerly Invitae), Labcorp); PubMed 17576681 (cited by Labcorp Genetics (formerly Invitae), Labcorp); PubMed 9536098 (cited by Labcorp Genetics (formerly Invitae), Labcorp).